The following is an entry in ClinVar:

ClinVar aggregate classification (germline): Benign/Likely benign. Review status: criteria provided, multiple submitters, no conflicts (2 of 4 stars). 5 submissions from 5 submitters: Benign (2); Likely benign (3). Last evaluated 2026-07-01.

Allele frequency attached by ClinVar (database versions not stated): 1000 Genomes Project 30x 0.00172; 1000 Genomes Project 0.00200; TOPMed 0.00631; gnomAD 0.00681 and 0.00713; gnomAD exomes 0.00695 and 0.01042; ESP Exome Variant Server 0.00754; ExAC 0.01427.
gnomAD v4.1: 15,938 of 1,584,458 alleles (1%); highest among the groups gnomAD compares: Non-Finnish European, 1.2%; 117 homozygotes.

Submissions (5):

CeGaT Center for Human Genetics Tuebingen
Classification: Benign. Last evaluated: 2026-07-01. Review status: criteria provided, single submitter. Criteria: CeGaT Center For Human Genetics Tuebingen Variant Classification Criteria Version 2. Collection method: clinical testing. Allele origin: germline. Affected: yes. Observed: 12 variant alleles.
Comment: ITGA3: BP4, BS1, BS2

Labcorp Genetics (formerly Invitae), Labcorp
Classification: Benign. Last evaluated: 2026-02-01. Review status: criteria provided, single submitter. Criteria: Invitae Variant Classification Sherloc (09022015). Collection method: clinical testing. Allele origin: germline.

Blueprint Genetics
Classification: Likely benign. Last evaluated: 2024-11-26. Review status: criteria provided, single submitter. Criteria: ACMG Guidelines, 2015. Collection method: clinical testing. Allele origin: germline.

GeneDx
Classification: Likely benign. Last evaluated: 2024-09-16. Review status: criteria provided, single submitter. Criteria: GeneDx Variant Classification Process June 2021. Collection method: clinical testing. Allele origin: germline. Affected: yes.
Comment: See Variant Classification Assertion Criteria.

Breakthrough Genomics
Classification: Likely benign. Review status: criteria provided, single submitter. Criteria: ACMG Guidelines, 2015. Collection method: not provided. Allele origin: germline. Inheritance: Autosomal recessive inheritance. Affected: yes.

NM_002204.4(ITGA3):c.2827A>G (p.Arg943Gly)

Gene: ITGA3 (integrin subunit alpha 3; plus strand). Cytogenetic location: 17q21.33.
Variant type: single nucleotide variant.
Coding change: c.2827A>G on transcript NM_002204.4 (MANE Select); coding-DNA position 2827, A replaced by G.
Protein change: p.Arg943Gly; replaces arginine 943 with glycine.
Molecular consequence: missense variant.
Genome position (GRCh38, 1-based): chr17:50,081,316, A>G. VCF-style: chr17-50081316-A-G. GRCh37 (hg19) VCF-style: chr17-48158680-A-G.
Other names: short protein forms R943G.
Identifiers: ClinVar variation 1193275 (VCV001193275.38), dbSNP rs141893882, ClinGen allele CA8642066.